The following is an entry in ClinVar:

ClinVar aggregate classification (germline): Likely benign. Review status: criteria provided, multiple submitters, no conflicts (2 of 4 stars). 2 submissions from 2 submitters: Likely benign (2). Last evaluated 2026-07-31.

Conditions:
Familial colorectal cancer type X. Identifiers: Orphanet 440437, MedGen C3896578, MONDO:0018604.

Allele frequency attached by ClinVar (database versions not stated): gnomAD 0.00001; TOPMed 0.00001.
gnomAD v4.1: 6 of 1,613,018 alleles (0.00037%); highest among the groups gnomAD compares: East Asian, 0.0045%; no homozygotes.

Submissions (2):

Myriad Genetics, Inc.
Classification: Likely benign for Familial colorectal cancer type X. Last evaluated: 2026-07-31. Review status: criteria provided, single submitter. Criteria: Myriad Autosomal Dominant, Autosomal Recessive and X-Linked Classification Criteria (2023). Collection method: clinical testing. Allele origin: unknown.
Comment: This variant is considered likely benign. This variant is intronic and is not expected to impact mRNA splicing.

Labcorp Genetics (formerly Invitae), Labcorp
Classification: Likely benign. Last evaluated: 2025-09-16. Review status: criteria provided, single submitter. Criteria: Invitae Variant Classification Sherloc (09022015). Collection method: clinical testing. Allele origin: germline.

NM_001023.4(RPS20):c.104-6C>T

Gene: RPS20 (ribosomal protein S20; minus strand). Cytogenetic location: 8q12.1.
Variant type: single nucleotide variant.
Coding change: c.104-6C>T on transcript NM_001023.4 (MANE Select); 6 bases into the intron before coding-DNA position 104, C replaced by T.
Molecular consequence: intron variant.
Genome position (GRCh38, 1-based): chr8:56,073,774, G>A on the plus strand (C>T on the coding strand, the complement: RPS20 is on the minus strand). VCF-style: chr8-56073774-G-A. GRCh37 (hg19) VCF-style: chr8-56986333-G-A.
Other names: c.104-6C>T (NM_001146227.3).
Identifiers: ClinVar variation 1604010 (VCV001604010.9), dbSNP rs768230195, ClinGen allele CA4754374.